The following is an entry in ClinVar:

NM_006361.6(HOXB13):c.183del (p.Lys61fs)

Gene: HOXB13 (homeobox B13; minus strand). Cytogenetic location: 17q21.32.
Variant type: Deletion.
Coding change: c.183del on transcript NM_006361.6 (MANE Select); coding-DNA position 183, one base deleted (G; older notation c.183delG).
Protein change: p.Lys61fs; shifts the reading frame from lysine 61.
Molecular consequence: frameshift variant.
Genome position (GRCh38, 1-based): chr17:48,728,411, C deleted on the plus strand (G on the coding strand, the reverse complement: HOXB13 is on the minus strand). VCF-style (leftmost placement, unchanged base first): chr17-48728410-GC-G. GRCh37 (hg19) VCF-style: chr17-46805772-GC-G.
Other names: c.183delG (NM_006361.5); short protein forms K61fs.
Identifiers: ClinVar variation 1396843 (VCV001396843.7), dbSNP rs1407842297, ClinGen allele CA626687082.

ClinVar aggregate classification (germline): Uncertain significance. Review status: criteria provided, multiple submitters, no conflicts (2 of 4 stars). 2 submissions from 2 submitters: Uncertain significance (2). Last evaluated 2025-12-31.

Conditions:
Hereditary cancer-predisposing syndrome. Also called: Hereditary neoplastic syndrome; Tumor predisposition; Neoplastic Syndromes, Hereditary; Hereditary Cancer Syndrome. Identifiers: Orphanet 140162, MedGen C0027672, MeSH D009386, MONDO:0015356.

Allele frequency attached by ClinVar (database versions not stated): gnomAD exomes below 0.00001.

Submissions (2):

Ambry Genetics
Classification: Uncertain significance for Hereditary cancer-predisposing syndrome. Last evaluated: 2025-12-31. Review status: criteria provided, single submitter. Criteria: Ambry Variant Classification Scheme 2023. Collection method: clinical testing. Allele origin: germline.
Comment: The c.183delG variant, located in coding exon 1 of the HOXB13 gene, results from a deletion of one nucleotide at nucleotide position 183, causing a translational frameshift with a predicted alternate stop codon (p.K61Nfs*37). This alteration is expected to result in loss of function by premature protein truncation or nonsense-mediated mRNA decay. However, loss of function has not been established as a mechanism of disease. Based on the available evidence, the clinical significance of this variant remains unclear

Labcorp Genetics (formerly Invitae), Labcorp
Classification: Uncertain significance. Last evaluated: 2024-07-01. Review status: criteria provided, single submitter. Criteria: Invitae Variant Classification Sherloc (09022015). Collection method: clinical testing. Allele origin: germline.
Comment: This sequence change creates a premature translational stop signal (p.Lys61Asnfs*37) in the HOXB13 gene. It is expected to result in an absent or disrupted protein product. However, the current clinical and genetic evidence is not sufficient to establish whether loss-of-function variants in HOXB13 cause disease. This variant is present in population databases (no rsID available, gnomAD 0.003%). This variant has not been reported in the literature in individuals affected with HOXB13-related conditions. ClinVar contains an entry for this variant (Variation ID: 1396843). In summary, the available evidence is currently insufficient to determine the role of this variant in disease. Therefore, it has been classified as a Variant of Uncertain Significance.